The following is an entry in ClinVar:

ClinVar aggregate classification (germline): Uncertain significance. Review status: criteria provided, multiple submitters, no conflicts (2 of 4 stars). 2 submissions from 2 submitters: Uncertain significance (2). Last evaluated 2025-04-18.

Conditions:
SLITRK2-related condition.

Submissions (2):

Ambry Genetics
Classification: Uncertain significance. Last evaluated: 2025-04-18. Review status: criteria provided, single submitter. Criteria: Ambry Variant Classification Scheme 2023. Collection method: clinical testing. Allele origin: germline.

PreventionGenetics, part of Exact Sciences
Classification: Uncertain significance for SLITRK2-related condition. Last evaluated: 2024-11-26. Review status: criteria provided, single submitter. Criteria: ACMG Guidelines, 2015. Collection method: clinical testing. Allele origin: germline.
Comment: The SLITRK2 c.2060A>G variant is predicted to result in the amino acid substitution p.Tyr687Cys. To our knowledge, this variant has not been reported in the literature. This variant is reported in 0.0012% of alleles in individuals of European (non-Finnish) descent in gnomAD. At this time, the clinical significance of this variant is uncertain due to the absence of conclusive functional and genetic evidence.

NM_032539.5(SLITRK2):c.2060A>G (p.Tyr687Cys)

Gene: SLITRK2 (SLIT and NTRK like family member 2; plus strand). Cytogenetic location: Xq27.3.
Variant type: single nucleotide variant.
Coding change: c.2060A>G on transcript NM_032539.5 (MANE Select); coding-DNA position 2060, A replaced by G.
Protein change: p.Tyr687Cys; replaces tyrosine 687 with cysteine.
Molecular consequence: missense variant.
Genome position (GRCh38, 1-based): chrX:145,824,485, A>G. VCF-style: chrX-145824485-A-G. GRCh37 (hg19) VCF-style: chrX-144906003-A-G.
Other names: c.2060A>G (NM_001144004.2); c.2060A>G, p.Tyr687Cys (NM_001144003.3, NM_001144004.3, NM_001144005.3 and 4 more transcripts); short protein forms Y687C.
Identifiers: ClinVar variation 3958207 (VCV003958207.2).